The following is an entry in ClinVar:

NM_001035.3(RYR2):c.12692C>A (p.Pro4231Gln)

Genes: RYR2 (ryanodine receptor 2; plus strand), LOC126806068 (BRD4-independent group 4 enhancer GRCh37_chr1:237947411-237948610; plus strand). Cytogenetic location: 1q43.
Variant type: single nucleotide variant.
Coding change: c.12692C>A on transcript NM_001035.3 (MANE Select); coding-DNA position 12692, C replaced by A.
Protein change: p.Pro4231Gln; replaces proline 4231 with glutamine.
Molecular consequence: missense variant.
Genome position (GRCh38, 1-based): chr1:237,784,404, C>A. VCF-style: chr1-237784404-C-A. GRCh37 (hg19) VCF-style: chr1-237947704-C-A.
Other names: short protein forms P4231Q.
Identifiers: ClinVar variation 1370725 (VCV001370725.6), dbSNP rs1321340277, ClinGen allele CA345413932.
Genomic context (GRCh38, chr1:237,784,404, plus strand): 5'-TGAACGAGAGGTCAGCGAATAAGGAAGAAAGCGAGAAGGAGAGGCCGGAAGAGCAGGGGC[C>A]GAGGATGGCTTTCTTCTCCATTCTGACGGTCAGGTCGGCCCTGTTTGCGCTCAGGTACAA-3'
Protein context (NP_001026.2, residues 4221-4241): SEKERPEEQG[Pro4231Gln]RMAFFSILTV

ClinVar aggregate classification (germline): Uncertain significance. Review status: criteria provided, multiple submitters, no conflicts (2 of 4 stars). 3 submissions from 3 submitters: Uncertain significance (3). Last evaluated 2025-02-26.

Conditions:
Cardiomyopathy (CMYO). Also called: Cardiomyopathies. Identifiers: Orphanet 167848, MedGen C0878544, MONDO:0004994, HP:0001638. Inheritance: Various modes of inheritance.
Catecholaminergic polymorphic ventricular tachycardia 1. Also called: VENTRICULAR TACHYCARDIA, STRESS-INDUCED POLYMORPHIC 1; VENTRICULAR TACHYCARDIA, CATECHOLAMINERGIC POLYMORPHIC, 1, WITH OR WITHOUT ATRIAL DYSFUNCTION AND/OR DILATED CARDIOMYOPATHY; RYR2-Related Catecholaminergic Polymorphic Ventricular Tachycardia. Identifiers: Orphanet 3286, MedGen C1631597, MONDO:0011484, OMIM 604772.
Catecholaminergic polymorphic ventricular tachycardia (CVPT). Also called: Catecholamine-induced polymorphic ventricular tachycardia. Identifiers: Orphanet 3286, MedGen C5574922, MONDO:0017990.

gnomAD v4.1: 13 of 1,613,650 alleles (0.00081%); highest among the groups gnomAD compares: Non-Finnish European, 0.0011%; no homozygotes.

Submissions (3):

Labcorp Genetics (formerly Invitae), Labcorp
Classification: Uncertain significance for Catecholaminergic polymorphic ventricular tachycardia 1. Last evaluated: 2025-02-26. Review status: criteria provided, single submitter. Criteria: Invitae Variant Classification Sherloc (09022015). Collection method: clinical testing. Allele origin: germline.
Comment: This sequence change replaces proline, which is neutral and non-polar, with glutamine, which is neutral and polar, at codon 4231 of the RYR2 protein (p.Pro4231Gln). This variant is not present in population databases (gnomAD no frequency). This variant has not been reported in the literature in individuals affected with RYR2-related conditions. ClinVar contains an entry for this variant (Variation ID: 1370725). Invitae Evidence Modeling of protein sequence and biophysical properties (such as structural, functional, and spatial information, amino acid conservation, physicochemical variation, residue mobility, and thermodynamic stability) indicates that this missense variant is not expected to disrupt RYR2 protein function with a negative predictive value of 95%. In summary, the available evidence is currently insufficient to determine the role of this variant in disease. Therefore, it has been classified as a Variant of Uncertain Significance.

All of Us Research Program, National Institutes of Health
Classification: Uncertain significance for Catecholaminergic polymorphic ventricular tachycardia. Last evaluated: 2023-12-13. Review status: criteria provided, single submitter. Criteria: ACMG Guidelines, 2015. Collection method: clinical testing. Allele origin: germline. Inheritance: Autosomal dominant inheritance. Observed: 1 variant allele, 1 heterozygote.
Comment: This missense variant replaces proline with glutamine at codon 4231 of the RYR2 protein. Computational prediction suggests that this variant may not impact protein structure and function (internally defined REVEL score threshold <= 0.5, PMID: 27666373). To our knowledge, functional studies have not been reported for this variant. This variant has not been reported in individuals affected with RYR2-related disorders in the literature. This variant has not been identified in the general population by the Genome Aggregation Database (gnomAD). The available evidence is insufficient to determine the role of this variant in disease conclusively. Therefore, this variant is classified as a Variant of Uncertain Significance.

This study involves interpretation of variants in research participants for the purpose of population health screening. Participant phenotype was not available at the time of variant classification. Additional details can be found in publication PMID: 35346344, PMCID: PMC8962531

Color Diagnostics, LLC DBA Color Health
Classification: Uncertain significance for Cardiomyopathy. Last evaluated: 2023-11-08. Review status: criteria provided, single submitter. Criteria: ACMG Guidelines, 2015. Collection method: clinical testing. Allele origin: germline.
Comment: This missense variant replaces proline with glutamine at codon 4231 of the RYR2 protein. Computational prediction suggests that this variant may not impact protein structure and function. To our knowledge, functional studies have not been reported for this variant. This variant has not been reported in individuals affected with RYR2-related disorders in the literature. This variant has not been identified in the general population by the Genome Aggregation Database (gnomAD). The available evidence is insufficient to determine the role of this variant in disease conclusively. Therefore, this variant is classified as a Variant of Uncertain Significance.